The following is an entry in ClinVar:

ClinVar aggregate classification (germline): Uncertain significance (1 of 4 stars; one submission).

Conditions:
Hereditary cancer-predisposing syndrome. Also called: Neoplastic Syndromes, Hereditary; Tumor predisposition; Hereditary neoplastic syndrome; Hereditary Cancer Syndrome. Identifiers: Orphanet 140162, MedGen C0027672, MeSH D009386, MONDO:0015356.

Submission:

Ambry Genetics
Classification: Uncertain significance for Hereditary cancer-predisposing syndrome. Last evaluated: 2023-09-25. Review status: criteria provided, single submitter. Criteria: Ambry Variant Classification Scheme 2023. Collection method: clinical testing. Allele origin: germline.
Comment: The p.Q847P variant (also known as c.2540A>C), located in coding exon 17 of the SMARCA4 gene, results from an A to C substitution at nucleotide position 2540. The glutamine at codon 847 is replaced by proline, an amino acid with similar properties. This amino acid position is well conserved in available vertebrate species. In addition, the in silico prediction for this alteration is inconclusive. Missense and in-frame variants in SMARCA4 are known to cause neurodevelopmental disorders; however, such associations with rhabdoid tumor predisposition syndrome including small cell carcinoma of the ovary-hypercalcemic type (SCCOHT) are exceedingly rare (Kosho T et al. Am J Med Genet C Semin Med Genet. 2014 Sep;166C(3):262-75; Jelinic P et al. Nat Genet. 2014 May;46(5):424-6). Based on the supporting evidence, the association of this alteration with Coffin-Siris syndrome is unknown; however, the association of this alteration with rhabdoid tumor predisposition syndrome is unlikely.

NM_003072.5(SMARCA4):c.2540A>C (p.Gln847Pro)

Gene: SMARCA4 (SWI/SNF related BAF chromatin remodeling complex subunit ATPase 4; plus strand). Cytogenetic location: 19p13.2.
Variant type: single nucleotide variant.
Coding change: c.2540A>C on transcript NM_003072.5 (MANE Select); coding-DNA position 2540, A replaced by C.
Protein change: p.Gln847Pro; replaces glutamine 847 with proline.
Molecular consequence: missense variant. On other transcripts: non-coding transcript variant (1).
Genome position (GRCh38, 1-based): chr19:11,019,625, A>C. VCF-style: chr19-11019625-A-C. GRCh37 (hg19) VCF-style: chr19-11130301-A-C.
Other names: c.2540A>C, p.Gln847Pro (NM_001128844.3, NM_001128845.2, NM_001128846.2 and 6 more transcripts); short protein forms Q847P.
Identifiers: ClinVar variation 3233093 (VCV003233093.1), dbSNP rs2089681473, ClinGen allele CA404054412.